The following is an entry in ClinVar:

ClinVar aggregate classification (germline): Likely benign. Review status: criteria provided, multiple submitters, no conflicts (2 of 4 stars). 5 submissions from 5 submitters: Likely benign (5). Last evaluated 2026-07-01.

Conditions:
Cardiovascular phenotype. Identifiers: MedGen CN230736.
Dilated cardiomyopathy 1KK (CMD1KK). Identifiers: Orphanet 154, Orphanet 75249, MedGen C3714995, MONDO:0014100, OMIM 615248.

Allele frequency attached by ClinVar (database versions not stated): gnomAD 0.00001 and 0.00006; gnomAD exomes 0.00001 and 0.00003; TOPMed 0.00001; ExAC 0.00003.
gnomAD v4.1: 26 of 1,614,050 alleles (0.0016%); highest among the groups gnomAD compares: East Asian, 0.018%; no homozygotes.

Submissions (5):

CeGaT Center for Human Genetics Tuebingen
Classification: Likely benign. Last evaluated: 2026-07-01. Review status: criteria provided, single submitter. Criteria: CeGaT Center For Human Genetics Tuebingen Variant Classification Criteria Version 2. Collection method: clinical testing. Allele origin: germline. Affected: yes. Observed: 1 variant allele.
Comment: MYPN: BP4, BP7

Labcorp Genetics (formerly Invitae), Labcorp
Classification: Likely benign for Dilated cardiomyopathy 1KK. Last evaluated: 2025-12-08. Review status: criteria provided, single submitter. Criteria: Invitae Variant Classification Sherloc (09022015). Collection method: clinical testing. Allele origin: germline.

Women's Health and Genetics/Laboratory Corporation of America, LabCorp
Classification: Likely benign. Last evaluated: 2025-11-12. Review status: criteria provided, single submitter. Criteria: LabCorp Variant Classification Summary - May 2015. Collection method: clinical testing. Allele origin: germline.

Blueprint Genetics
Classification: Likely benign. Last evaluated: 2024-10-30. Review status: criteria provided, single submitter. Criteria: ACMG Guidelines, 2015. Collection method: clinical testing. Allele origin: germline.

Ambry Genetics
Classification: Likely benign for Cardiovascular phenotype. Last evaluated: 2020-12-26. Review status: criteria provided, single submitter. Criteria: Ambry Variant Classification Scheme 2023. Collection method: clinical testing. Allele origin: germline.

NM_032578.4(MYPN):c.1680C>T (p.Pro560=)

Gene: MYPN (myopalladin; plus strand). Cytogenetic location: 10q21.3.
Variant type: single nucleotide variant.
Coding change: c.1680C>T on transcript NM_032578.4 (MANE Select); coding-DNA position 1680, C replaced by T.
Protein change: p.Pro560=; no amino-acid change (proline 560 retained).
Molecular consequence: synonymous variant. On other transcripts: non-coding transcript variant (2).
Genome position (GRCh38, 1-based): chr10:68,166,373, C>T. VCF-style: chr10-68166373-C-T. GRCh37 (hg19) VCF-style: chr10-69926130-C-T.
Other names: c.1680C>T, p.Pro560= (NM_001256267.2); c.798C>T, p.Pro266= (NM_001256268.2).
Identifiers: ClinVar variation 1012781 (VCV001012781.19), dbSNP rs566128597, ClinGen allele CA5522639.